The following is an entry in ClinVar:

NM_016333.4(SRRM2):c.2770T>C (p.Ser924Pro)

Gene: SRRM2 (serine/arginine repetitive matrix 2; plus strand). Cytogenetic location: 16p13.3.
Variant type: single nucleotide variant.
Coding change: c.2770T>C on transcript NM_016333.4 (MANE Select); coding-DNA position 2770, T replaced by C.
Protein change: p.Ser924Pro; replaces serine 924 with proline.
Molecular consequence: missense variant.
Genome position (GRCh38, 1-based): chr16:2,763,298, T>C. VCF-style: chr16-2763298-T-C. GRCh37 (hg19) VCF-style: chr16-2813299-T-C.
Other names: short protein forms S924P.
Identifiers: ClinVar variation 2314912 (VCV002314912.4), dbSNP rs746521269, ClinGen allele CA7847712.
Genomic context (GRCh38, chr16:2,763,298, plus strand): 5'-CCTCCCAGACAGAGCCCATCTAGGTCATCATCTCCACAACCCAAAGTGAAGGCAATAATA[T>C]CACCAAGACAAAGAAGCCATTCTGGCTCCTCTTCTCCAAGTCCTAGTAGGGTGACGTCGA-3'
Protein context (NP_057417.3, residues 914-934): SPQPKVKAII[Ser924Pro]PRQRSHSGSS

ClinVar aggregate classification (germline): Conflicting classifications of pathogenicity. Review status: criteria provided, conflicting classifications (1 of 4 stars). 2 submissions from 2 submitters: Uncertain significance (1); Likely benign (1). Last evaluated 2026-04-01.

Conditions:
Inborn genetic diseases. Identifiers: MedGen C0950123, MeSH D030342.

Allele frequency attached by ClinVar (database versions not stated): gnomAD 0.00005; gnomAD exomes 0.00006; TOPMed 0.00014; ExAC 0.00024.
gnomAD v4.1: 98 of 1,613,892 alleles (0.0061%); highest among the groups gnomAD compares: Admixed American, 0.16%; no homozygotes.

Submissions (2):

CeGaT Center for Human Genetics Tuebingen
Classification: Likely benign. Last evaluated: 2026-04-01. Review status: criteria provided, single submitter. Criteria: CeGaT Center For Human Genetics Tuebingen Variant Classification Criteria Version 2. Collection method: clinical testing. Allele origin: germline. Affected: yes. Observed: 1 variant allele.
Comment: SRRM2: BP4, BS1

Ambry Genetics
Classification: Uncertain significance for Inborn genetic diseases. Last evaluated: 2021-08-13. Review status: criteria provided, single submitter. Criteria: Ambry Variant Classification Scheme 2023. Collection method: clinical testing. Allele origin: germline.